The following is an entry in ClinVar:

NM_003750.4(EIF3A):c.2329A>C (p.Lys777Gln)

Gene: EIF3A (eukaryotic translation initiation factor 3 subunit A; minus strand). Cytogenetic location: 10q26.11.
Variant type: single nucleotide variant.
Coding change: c.2329A>C on transcript NM_003750.4 (MANE Select); coding-DNA position 2329, A replaced by C.
Protein change: p.Lys777Gln; replaces lysine 777 with glutamine.
Molecular consequence: missense variant.
Genome position (GRCh38, 1-based): chr10:119,050,665, T>G on the plus strand (A>C on the coding strand, the complement: EIF3A is on the minus strand). VCF-style: chr10-119050665-T-G. GRCh37 (hg19) VCF-style: chr10-120810177-T-G.
Other names: short protein forms K777Q.
Identifiers: ClinVar variation 4083704 (VCV004083704.8).

ClinVar aggregate classification (germline): Likely benign (1 of 4 stars; one submission).

gnomAD v4.1: 8,129 of 1,614,018 alleles (0.5%); highest among the groups gnomAD compares: Non-Finnish European, 0.62%; 31 homozygotes.

Submission:

CeGaT Center for Human Genetics Tuebingen
Classification: Likely benign. Last evaluated: 2025-08-01. Review status: criteria provided, single submitter. Criteria: CeGaT Center For Human Genetics Tuebingen Variant Classification Criteria Version 2. Collection method: clinical testing. Allele origin: germline. Affected: yes. Observed: 1 variant allele.
Comment: EIF3A: BS2